The following is an entry in ClinVar:

ClinVar aggregate classification (germline): Benign/Likely benign. Review status: criteria provided, multiple submitters, no conflicts (2 of 4 stars). 16 submissions from 16 submitters: Benign (11); Likely benign (2). 3 of the submissions do not count toward it. Last evaluated 2026-02-04.

Conditions:
Cardiovascular phenotype. Identifiers: MedGen CN230736.
Catecholaminergic polymorphic ventricular tachycardia 2. Also called: VENTRICULAR TACHYCARDIA, STRESS-INDUCED POLYMORPHIC 2; CASQ2-Related Catecholaminergic Polymorphic Ventricular Tachycardia. Identifiers: Orphanet 3286, MedGen C2677794, MONDO:0012762, OMIM 611938.
Catecholaminergic polymorphic ventricular tachycardia 1. Also called: VENTRICULAR TACHYCARDIA, CATECHOLAMINERGIC POLYMORPHIC, 1, WITH OR WITHOUT ATRIAL DYSFUNCTION AND/OR DILATED CARDIOMYOPATHY; VENTRICULAR TACHYCARDIA, STRESS-INDUCED POLYMORPHIC 1; RYR2-Related Catecholaminergic Polymorphic Ventricular Tachycardia. Identifiers: Orphanet 3286, MedGen C1631597, MONDO:0011484, OMIM 604772.
Catecholaminergic polymorphic ventricular tachycardia (CVPT). Also called: Catecholamine-induced polymorphic ventricular tachycardia. Identifiers: Orphanet 3286, MedGen C5574922, MONDO:0017990.

Allele frequency attached by ClinVar (database versions not stated): gnomAD exomes 0.38105; ExAC 0.38379; ESP Exome Variant Server 0.38797; gnomAD 0.39652 and 0.39681; TOPMed 0.39844; 1000 Genomes Project 0.42572.
gnomAD v4.1: 589,246 of 1,592,320 alleles (37%); highest among the groups gnomAD compares: African/African-American, 45%; 108,018 homozygotes.

Submissions (16):

Labcorp Genetics (formerly Invitae), Labcorp
Classification: Benign for Catecholaminergic polymorphic ventricular tachycardia 1. Last evaluated: 2026-02-04. Review status: criteria provided, single submitter. Criteria: Invitae Variant Classification Sherloc (09022015). Collection method: clinical testing. Allele origin: germline.

Blueprint Genetics
Classification: Benign. Last evaluated: 2024-11-26. Review status: criteria provided, single submitter. Criteria: ACMG Guidelines, 2015. Collection method: clinical testing. Allele origin: germline.

Genome-Nilou Lab
Classification: Likely benign for Catecholaminergic polymorphic ventricular tachycardia 2. Last evaluated: 2023-04-11. Review status: criteria provided, single submitter. Criteria: ACMG Guidelines, 2015. Collection method: clinical testing. Allele origin: germline. Affected: no.

Mayo Clinic Laboratories, Mayo Clinic
Classification: Benign. Last evaluated: 2023-01-26. Review status: criteria provided, single submitter. Criteria: ACMG Guidelines, 2015. Collection method: clinical testing. Allele origin: germline. Observed: 314 variant alleles.

Molecular Diagnostic Laboratory for Inherited Cardiovascular Disease, Montreal Heart Institute
Classification: Benign. Last evaluated: 2020-05-28. Review status: criteria provided, single submitter. Criteria: ACMG Guidelines, 2015. Collection method: clinical testing. Allele origin: germline. Affected: yes.

Illumina Laboratory Services, Illumina
Classification: Benign for Catecholaminergic polymorphic ventricular tachycardia 2. Last evaluated: 2018-01-12. Review status: criteria provided, single submitter. Criteria: ICSL Variant Classification Criteria 13 December 2019. Collection method: clinical testing. Allele origin: germline.
Comment: This variant was observed in the ICSL laboratory as part of a predisposition screen in an ostensibly healthy population. It had not been previously curated by ICSL or reported in the Human Gene Mutation Database (HGMD: prior to June 1st, 2018), and was therefore a candidate for classification through an automated scoring system. Utilizing variant allele frequency, disease prevalence and penetrance estimates, and inheritance mode, an automated score was calculated to assess if this variant is too frequent to cause the disease. Based on the score and internal cut-off values, a variant classified as benign is not then subjected to further curation. The score for this variant resulted in a classification of benign for this disease.

Clinical Genetics DNA and cytogenetics Diagnostics Lab, Erasmus MC, Erasmus Medical Center
Classification: Benign for Catecholaminergic polymorphic ventricular tachycardia 2. Last evaluated: 2015-09-21. Review status: criteria provided, single submitter. Criteria: ACGS Guidelines, 2013. Collection method: clinical testing. Allele origin: germline. Affected: yes. Study: VKGL Data-share Consensus.

Ambry Genetics
Classification: Benign for Cardiovascular phenotype. Last evaluated: 2015-06-19. Review status: criteria provided, single submitter. Criteria: Ambry Variant Classification Scheme 2023. Collection method: clinical testing. Allele origin: germline.

GeneDx
Classification: Benign. Last evaluated: 2014-07-10. Review status: criteria provided, single submitter. Criteria: GeneDx Variant Classification (06012015). Collection method: clinical testing. Allele origin: germline. Affected: yes.
Comment: This variant is considered likely benign or benign based on one or more of the following criteria: it is a conservative change, it occurs at a poorly conserved position in the protein, it is predicted to be benign by multiple in silico algorithms, and/or has population frequency not consistent with disease.

Eurofins Ntd Llc (ga)
Classification: Benign. Last evaluated: 2014-01-09. Review status: criteria provided, single submitter. Criteria: EGL Classification Definitions 2015. Collection method: clinical testing. Allele origin: germline. Observed: 2 variant alleles, 1 heterozygote, 1 homozygote.

Laboratory for Molecular Medicine, Mass General Brigham Personalized Medicine
Classification: Benign. Last evaluated: 2012-04-10. Review status: criteria provided, single submitter. Criteria: LMM Criteria. Collection method: clinical testing. Allele origin: germline. Observed: 1,119 variant alleles.

Breakthrough Genomics
Classification: Likely benign. Review status: criteria provided, single submitter. Criteria: ACMG Guidelines, 2015. Collection method: not provided. Allele origin: germline. Inheritance: Autosomal recessive inheritance. Affected: yes.

PreventionGenetics, part of Exact Sciences
Classification: Benign. Review status: criteria provided, single submitter. Criteria: ACMG Guidelines, 2015. Collection method: clinical testing. Allele origin: germline.

Cohesion Phenomics
Classification: Likely benign for Catecholaminergic polymorphic ventricular tachycardia. Last evaluated: 2022-09-23. Review status: no assertion criteria provided. Criteria: ACMG Guidelines, 2015. Collection method: clinical testing. Allele origin: germline. Affected: yes. Not counted in ClinVar's aggregate classification.

Clinical Genetics, Academic Medical Center
Classification: Benign. Review status: no assertion criteria provided. Collection method: clinical testing. Allele origin: germline. Affected: yes. Study: VKGL Data-share Consensus. Not counted in ClinVar's aggregate classification.

Diagnostic Laboratory, Department of Genetics, University Medical Center Groningen
Classification: Benign for Catecholaminergic polymorphic ventricular tachycardia 2. Review status: no assertion criteria provided. Collection method: clinical testing. Allele origin: germline. Affected: yes. Study: VKGL Data-share Consensus. Not counted in ClinVar's aggregate classification.

NM_001232.4(CASQ2):c.1185C>T (p.Asp395=)

Gene: CASQ2 (calsequestrin 2; minus strand). Cytogenetic location: 1p13.1.
Variant type: single nucleotide variant.
Coding change: c.1185C>T on transcript NM_001232.4 (MANE Select); coding-DNA position 1185, C replaced by T.
Protein change: p.Asp395=; no amino-acid change (aspartic acid 395 retained).
Molecular consequence: synonymous variant.
Genome position (GRCh38, 1-based): chr1:115,701,256, G>A on the plus strand (C>T on the coding strand, the complement: CASQ2 is on the minus strand). VCF-style: chr1-115701256-G-A. GRCh37 (hg19) VCF-style: chr1-116243877-G-A.
Other names: p.D393D:GAC>GAT; p.Asp395=.
Identifiers: ClinVar variation 44157 (VCV000044157.36), dbSNP rs7413162, ClinGen allele CA282343.